The following is an entry in ClinVar:

NM_005026.5(PIK3CD):c.522G>A (p.Ser174=)

Gene: PIK3CD (phosphatidylinositol-4,5-bisphosphate 3-kinase catalytic subunit delta; plus strand). Cytogenetic location: 1p36.22.
Variant type: single nucleotide variant.
Coding change: c.522G>A on transcript NM_005026.5 (MANE Select); coding-DNA position 522, G replaced by A.
Protein change: p.Ser174=; no amino-acid change (serine 174 retained).
Molecular consequence: synonymous variant.
Genome position (GRCh38, 1-based): chr1:9,716,000, G>A. VCF-style: chr1-9716000-G-A. GRCh37 (hg19) VCF-style: chr1-9776058-G-A.
Other names: p.Ser174=; c.522G>A, p.Ser174= (NM_001350234.2, NM_001350235.1).
Identifiers: ClinVar variation 745624 (VCV000745624.14), dbSNP rs372837939, ClinGen allele CA576892.

ClinVar aggregate classification (germline): Likely benign. Review status: criteria provided, multiple submitters, no conflicts (2 of 4 stars). 4 submissions from 4 submitters: Likely benign (4). Last evaluated 2025-10-22.

Conditions:
Immunodeficiency 14 (IMD14A). Also called: p110-DELTA-ACTIVATING MUTATION CAUSING SENESCENT T CELLS, LYMPHADENOPATHY, AND IMMUNODEFICIENCY; Activated PI3K Delta Syndrome Type 1 (APDS1); ACTIVATED PI3K-DELTA SYNDROME 1; IMMUNODEFICIENCY 14A WITH LYMPHOPROLIFERATION, AUTOSOMAL DOMINANT. Identifiers: Orphanet 397596, Orphanet 693661, MedGen C5907821, MONDO:0014222, OMIM 615513.

Allele frequency attached by ClinVar (database versions not stated): gnomAD 0.00004 and 0.00005; gnomAD exomes 0.00006; TOPMed 0.00006; ESP Exome Variant Server 0.00015.
gnomAD v4.1: 100 of 1,612,472 alleles (0.0062%); highest among the groups gnomAD compares: East Asian, 0.025%; no homozygotes.

Submissions (4):

Mayo Clinic Laboratories, Mayo Clinic
Classification: Likely benign. Last evaluated: 2025-10-22. Review status: criteria provided, single submitter. Criteria: ACMG Guidelines, 2015. Collection method: clinical testing. Allele origin: germline. Observed: 1 variant allele.
Comment: BP4, BP7

Labcorp Genetics (formerly Invitae), Labcorp
Classification: Likely benign for Activated PI3K-delta syndrome. Last evaluated: 2025-02-03. Review status: criteria provided, single submitter. Criteria: Invitae Variant Classification Sherloc (09022015). Collection method: clinical testing. Allele origin: germline.

Blueprint Genetics
Classification: Likely benign. Last evaluated: 2023-09-27. Review status: criteria provided, single submitter. Criteria: ACMG Guidelines, 2015. Collection method: clinical testing. Allele origin: germline.

Breakthrough Genomics
Classification: Likely benign. Review status: criteria provided, single submitter. Criteria: ACMG Guidelines, 2015. Collection method: not provided. Allele origin: germline. Inheritance: Autosomal recessive inheritance. Affected: yes.